The following is an entry in ClinVar:

NM_000059.4(BRCA2):c.256del (p.Gly85_Leu86insTer)

Gene: BRCA2 (BRCA2 DNA repair associated; plus strand). Cytogenetic location: 13q13.1.
Variant type: Deletion.
Coding change: c.256del on transcript NM_000059.4 (MANE Select); coding-DNA position 256, one base deleted (C; older notation c.256delC).
Protein change: p.Gly85_Leu86insTer.
Molecular consequence: nonsense.
Genome position (GRCh38, 1-based): chr13:32,319,265, C deleted. VCF-style (leftmost placement, unchanged base first): chr13-32319264-GC-G. GRCh37 (hg19) VCF-style: chr13-32893401-GC-G.
Identifiers: ClinVar variation 1378236 (VCV001378236.6), dbSNP rs2138705357, ClinGen allele CA2573149303.
Genomic context (GRCh38, chr13:32,319,264, plus strand): 5'-ACAAAGGAAACCATCTTATAATCAGCTGGCTTCAACTCCAATAATATTCAAAGAGCAAGG[GC>G]TGACTCTGCCGCTGTACCAATCTCCTGTAAAAGAATTAGATAAATTCAAATTAGACTTAG-3'

ClinVar aggregate classification (germline): Pathogenic (1 of 4 stars; one submission).

Conditions:
Hereditary breast ovarian cancer syndrome. Also called: Hereditary breast and ovarian cancer; Hereditary breast and/or ovarian cancer syndrome; Hereditary breast and ovarian cancer syndrome; Hereditary breast and ovarian cancer syndrome (HBOC); Breast and ovarian cancer; BRCA1- and BRCA2-Associated Hereditary Breast and Ovarian Cancer. Identifiers: Orphanet 145, MedGen C0677776, MeSH D061325, MONDO:0003582. Disease mechanism: loss of function.

Submission:

Labcorp Genetics (formerly Invitae), Labcorp
Classification: Pathogenic for Hereditary breast ovarian cancer syndrome. Last evaluated: 2024-01-31. Review status: criteria provided, single submitter. Criteria: Invitae Variant Classification Sherloc (09022015). Collection method: clinical testing. Allele origin: germline.
Comment: This sequence change creates a premature translational stop signal (p.Leu86*) in the BRCA2 gene. It is expected to result in an absent or disrupted protein product. Loss-of-function variants in BRCA2 are known to be pathogenic (PMID: 20104584). This variant is not present in population databases (gnomAD no frequency). This premature translational stop signal has been observed in individual(s) with breast cancer (PMID: 35858847). ClinVar contains an entry for this variant (Variation ID: 1378236). Algorithms developed to predict the effect of sequence changes on RNA splicing suggest that this variant may disrupt the consensus splice site. For these reasons, this variant has been classified as Pathogenic.

Literature cited by the submitters: PubMed 20104584; PubMed 35858847.